The following is an entry in ClinVar:

ClinVar aggregate classification (germline): Uncertain significance (1 of 4 stars; one submission).

Allele frequency attached by ClinVar (database versions not stated): TOPMed 0.00003.

Submission:

Ambry Genetics
Classification: Uncertain significance. Last evaluated: 2023-11-29. Review status: criteria provided, single submitter. Criteria: Ambry Variant Classification Scheme 2023. Collection method: clinical testing. Allele origin: germline.
Comment: The p.K355E variant (also known as c.1063A>G), located in coding exon 10 of the RAD54L gene, results from an A to G substitution at nucleotide position 1063. The lysine at codon 355 is replaced by glutamic acid, an amino acid with similar properties. This amino acid position is conserved. In addition, the in silico prediction for this alteration is inconclusive. Since supporting evidence is limited at this time, the clinical significance of this alteration remains unclear.

NM_003579.4(RAD54L):c.1063A>G (p.Lys355Glu)

Gene: RAD54L (RAD54 like; plus strand). Cytogenetic location: 1p34.1.
Variant type: single nucleotide variant.
Coding change: c.1063A>G on transcript NM_003579.4 (MANE Select); coding-DNA position 1063, A replaced by G.
Protein change: p.Lys355Glu; replaces lysine 355 with glutamic acid.
Molecular consequence: missense variant.
Genome position (GRCh38, 1-based): chr1:46,270,679, A>G. VCF-style: chr1-46270679-A-G. GRCh37 (hg19) VCF-style: chr1-46736351-A-G.
Other names: c.1063A>G, p.Lys355Glu (NM_001142548.2); c.523A>G, p.Lys175Glu (NM_001370766.1); short protein forms K175E, K355E.
Identifiers: ClinVar variation 1780919 (VCV001780919.2), dbSNP rs1436024655, ClinGen allele CA340174454.
Genomic context (GRCh38, chr1:46,270,679, plus strand): 5'-TTTTCCACATTCTTCTGTTTTCCTTCTCTCCTGTGTTTAGGGACTGCCCATGAATTCAAG[A>G]AGCATTTTGAATTGCCAATTTTGAAGGGTCGAGACGCTGCTGCTAGTGAGGCAGACAGGC-3'
Protein context (NP_003570.2, residues 345-365): GILGTAHEFK[Lys355Glu]HFELPILKGR